The following is an entry in ClinVar:

NM_000452.3(SLC10A2):c.761+6G>T

Gene: SLC10A2 (solute carrier family 10 member 2; minus strand). Cytogenetic location: 13q33.1.
Variant type: single nucleotide variant.
Coding change: c.761+6G>T on transcript NM_000452.3 (MANE Select); 6 bases into the intron after coding-DNA position 761, G replaced by T.
Molecular consequence: intron variant.
Genome position (GRCh38, 1-based): chr13:103,051,251, C>A on the plus strand (G>T on the coding strand, the complement: SLC10A2 is on the minus strand). VCF-style: chr13-103051251-C-A. GRCh37 (hg19) VCF-style: chr13-103703601-C-A.
Identifiers: ClinVar variation 4805512 (VCV004805512.1).

ClinVar aggregate classification (germline): Uncertain significance (1 of 4 stars; one submission).

Submission:

Labcorp Genetics (formerly Invitae), Labcorp
Classification: Uncertain significance. Last evaluated: 2025-10-16. Review status: criteria provided, single submitter. Criteria: Invitae Variant Classification Sherloc (09022015). Collection method: clinical testing. Allele origin: germline.
Comment: This sequence change falls in intron 4 of the SLC10A2 gene. It does not directly change the encoded amino acid sequence of the SLC10A2 protein. It affects a nucleotide within the consensus splice site. This variant is present in population databases (rs202014867, gnomAD 0.007%). This variant has not been reported in the literature in individuals affected with SLC10A2-related conditions. Variants that disrupt the consensus splice site are a relatively common cause of aberrant splicing (PMID: 17576681, 9536098). Algorithms developed to predict the effect of sequence changes on RNA splicing suggest that this variant is not likely to affect RNA splicing. In summary, the available evidence is currently insufficient to determine the role of this variant in disease. Therefore, it has been classified as a Variant of Uncertain Significance.

Literature cited by the submitters: PubMed 17576681; PubMed 9536098.